The following is an entry in ClinVar:

NM_015272.5(RPGRIP1L):c.2414G>A (p.Arg805Gln)

Gene: RPGRIP1L (RPGRIP1 like; minus strand). Cytogenetic location: 16q12.2.
Variant type: single nucleotide variant.
Coding change: c.2414G>A on transcript NM_015272.5 (MANE Select); coding-DNA position 2414, G replaced by A.
Protein change: p.Arg805Gln; replaces arginine 805 with glutamine.
Molecular consequence: missense variant.
Genome position (GRCh38, 1-based): chr16:53,645,894, C>T on the plus strand (G>A on the coding strand, the complement: RPGRIP1L is on the minus strand). VCF-style: chr16-53645894-C-T. GRCh37 (hg19) VCF-style: chr16-53679806-C-T.
Other names: c.2414G>A, p.Arg805Gln (NM_001127897.4, NM_001308334.3, NM_001330538.2); c.2414G>A (NM_015272.4); short protein forms R805Q.
Identifiers: ClinVar variation 319658 (VCV000319658.14), dbSNP rs532412372, ClinGen allele CA8057547.

ClinVar aggregate classification (germline): Uncertain significance. Review status: criteria provided, multiple submitters, no conflicts (2 of 4 stars). 7 submissions from 5 submitters: Uncertain significance (6). 1 of the submissions does not count toward it. Last evaluated 2024-04-16.

Conditions:
Nephronophthisis 8. Identifiers: MedGen CN119610.
RPGRIP1L-related disorder. Also called: RPGRIP1L-related disorders; RPGRIP1L-related condition. Identifiers: MedGen CN239416.
Meckel syndrome, type 5 (MKS5). Identifiers: Orphanet 564, MedGen C1969052, MONDO:0012695, OMIM 611561.
Joubert syndrome 7 (JBTS7). Identifiers: Orphanet 220497, MedGen C1969053, MONDO:0012694, OMIM 611560.
COACH syndrome 3. Identifiers: MedGen C5436841, MONDO:0030862, OMIM 619113.
Meckel-Gruber syndrome. Also called: GRUBER SYNDROME; DYSENCEPHALIA SPLANCHNOCYSTICA; Dysencephalia splachnocystica. Identifiers: Orphanet 564, MedGen C0265215, MONDO:0018921.
Joubert syndrome. Also called: JOUBERT-BOLTSHAUSER SYNDROME; Familial aplasia of the vermis. Identifiers: Orphanet 475, MedGen C5979921, MONDO:0018772.

Allele frequency attached by ClinVar (database versions not stated): ExAC 0.00002; gnomAD exomes 0.00002; gnomAD 0.00005; TOPMed 0.00007; 1000 Genomes Project 0.00020; 1000 Genomes Project 30x 0.00031.
gnomAD v4.1: 30 of 1,614,018 alleles (0.0019%); highest among the groups gnomAD compares: African/African-American, 0.017%; no homozygotes.

Submissions (7):

Labcorp Genetics (formerly Invitae), Labcorp
Classification: Uncertain significance for Joubert syndrome; Meckel-Gruber syndrome. Last evaluated: 2024-04-16. Review status: criteria provided, single submitter. Criteria: Invitae Variant Classification Sherloc (09022015). Collection method: clinical testing. Allele origin: germline.
Comment: This sequence change replaces arginine, which is basic and polar, with glutamine, which is neutral and polar, at codon 805 of the RPGRIP1L protein (p.Arg805Gln). This variant is present in population databases (rs532412372, gnomAD 0.03%). This variant has not been reported in the literature in individuals affected with RPGRIP1L-related conditions. ClinVar contains an entry for this variant (Variation ID: 319658). Advanced modeling of protein sequence and biophysical properties (such as structural, functional, and spatial information, amino acid conservation, physicochemical variation, residue mobility, and thermodynamic stability) performed at Invitae indicates that this missense variant is not expected to disrupt RPGRIP1L protein function with a negative predictive value of 80%. In summary, the available evidence is currently insufficient to determine the role of this variant in disease. Therefore, it has been classified as a Variant of Uncertain Significance.

Fulgent Genetics
Classification: Uncertain significance for Joubert syndrome 7; Meckel syndrome, type 5; COACH syndrome 3. Last evaluated: 2024-01-03. Review status: criteria provided, single submitter. Criteria: ACMG Guidelines, 2015. Collection method: clinical testing. Allele origin: germline.

Blueprint Genetics
Classification: Uncertain significance. Last evaluated: 2020-09-09. Review status: criteria provided, single submitter. Criteria: ACMG Guidelines, 2015. Collection method: clinical testing. Allele origin: germline.

Illumina Laboratory Services, Illumina
Classification: Uncertain significance for Meckel syndrome, type 5. Last evaluated: 2018-01-12. Review status: criteria provided, single submitter. Criteria: ICSL Variant Classification Criteria 13 December 2019. Collection method: clinical testing. Allele origin: germline.

Illumina Laboratory Services, Illumina
Classification: Uncertain significance for Nephronophthisis 8. Last evaluated: 2018-01-12. Review status: criteria provided, single submitter. Criteria: ICSL Variant Classification Criteria 13 December 2019. Collection method: clinical testing. Allele origin: germline.

Illumina Laboratory Services, Illumina
Classification: Uncertain significance for Joubert syndrome 7. Last evaluated: 2018-01-12. Review status: criteria provided, single submitter. Criteria: ICSL Variant Classification Criteria 13 December 2019. Collection method: clinical testing. Allele origin: germline.

PreventionGenetics, part of Exact Sciences
Classification: Uncertain significance for RPGRIP1L-related condition. Last evaluated: 2024-03-01. Review status: no assertion criteria provided. Collection method: clinical testing. Allele origin: germline. Not counted in ClinVar's aggregate classification.
Comment: The RPGRIP1L c.2414G>A variant is predicted to result in the amino acid substitution p.Arg805Gln. To our knowledge, this variant has not been reported in the literature. This variant is reported in 0.020% of alleles in individuals of African descent in gnomAD. At this time, the clinical significance of this variant is uncertain due to the absence of conclusive functional and genetic evidence.